The following is an entry in ClinVar:

NM_004423.4(DVL3):c.1207G>A (p.Asp403Asn)

Gene: DVL3 (dishevelled segment polarity protein 3; plus strand). Cytogenetic location: 3q27.1.
Variant type: single nucleotide variant.
Coding change: c.1207G>A on transcript NM_004423.4 (MANE Select); coding-DNA position 1207, G replaced by A.
Protein change: p.Asp403Asn; replaces aspartic acid 403 with asparagine.
Molecular consequence: missense variant.
Genome position (GRCh38, 1-based): chr3:184,167,588, G>A. VCF-style: chr3-184167588-G-A. GRCh37 (hg19) VCF-style: chr3-183885376-G-A.
Other names: short protein forms D403N.
Identifiers: ClinVar variation 2910179 (VCV002910179.3), dbSNP rs1317909865, ClinGen allele CA355411024.
Genomic context (GRCh38, chr3:184,167,588, plus strand): 5'-TACCTAACTCCAAAGCCCCTTTCTGCCTCACCATTCTGCCTCCCACCCCCAGGCCTAGAC[G>A]ACTTCCACTTGTCCATCCACAGTGACATGGCTGCCATCGTAAAAGCCATGGCCTCCCCTG-3'
Protein context (NP_004414.3, residues 393-413): SSIPDTERLD[Asp403Asn]FHLSIHSDMA

ClinVar aggregate classification (germline): Uncertain significance (1 of 4 stars; one submission).

Allele frequency attached by ClinVar (database versions not stated): gnomAD exomes 0.00001; TOPMed 0.00003; gnomAD 0.00004.
gnomAD v4.1: 10 of 1,613,472 alleles (0.00062%); highest among the groups gnomAD compares: African/African-American, 0.0027%; no homozygotes.

Submission:

Labcorp Genetics (formerly Invitae), Labcorp
Classification: Uncertain significance. Last evaluated: 2023-01-15. Review status: criteria provided, single submitter. Criteria: Invitae Variant Classification Sherloc (09022015). Collection method: clinical testing. Allele origin: germline.
Comment: This variant is present in population databases (no rsID available, gnomAD 0.007%). This sequence change replaces aspartic acid, which is acidic and polar, with asparagine, which is neutral and polar, at codon 403 of the DVL3 protein (p.Asp403Asn). This missense change has been observed in individual(s) with spina bifida (PMID: 29618362). Algorithms developed to predict the effect of missense changes on protein structure and function are either unavailable or do not agree on the potential impact of this missense change (SIFT: "Deleterious"; PolyPhen-2: "Possibly Damaging"; Align-GVGD: "Class C0"). Experimental studies have shown that this missense change affects DVL3 function (PMID: 29618362). In summary, the available evidence is currently insufficient to determine the role of this variant in disease. Therefore, it has been classified as a Variant of Uncertain Significance.

Literature cited by the submitters: PubMed 29618362.